The following is an entry in ClinVar:

ClinVar aggregate classification (germline): Likely benign. Review status: criteria provided, multiple submitters, no conflicts (2 of 4 stars). 6 submissions from 6 submitters: Likely benign (6). Last evaluated 2024-11-16.

Conditions:
Hereditary cancer-predisposing syndrome. Also called: Tumor predisposition; Hereditary Cancer Syndrome; Hereditary neoplastic syndrome; Neoplastic Syndromes, Hereditary. Identifiers: Orphanet 140162, MedGen C0027672, MeSH D009386, MONDO:0015356.
Hereditary breast ovarian cancer syndrome. Also called: Breast and ovarian cancer; Hereditary breast and/or ovarian cancer syndrome; BRCA1- and BRCA2-Associated Hereditary Breast and Ovarian Cancer; Hereditary breast and ovarian cancer syndrome; Hereditary breast and ovarian cancer syndrome (HBOC); Hereditary breast and ovarian cancer. Identifiers: Orphanet 145, MedGen C0677776, MeSH D061325, MONDO:0003582. Disease mechanism: loss of function.
Breast-ovarian cancer, familial, susceptibility to, 1 (BROVCA1). Also called: BRCA1 Hereditary Breast and Ovarian Cancer; OVARIAN CANCER, SUSCEPTIBILITY TO. Identifiers: Orphanet 145, MedGen C2676676, MONDO:0011450, OMIM 604370. Disease mechanism: loss of function.

Allele frequency attached by ClinVar (database versions not stated): TOPMed below 0.00001.

Submissions (7):

Labcorp Genetics (formerly Invitae), Labcorp
Classification: Likely benign for Hereditary breast ovarian cancer syndrome. Last evaluated: 2024-11-16. Review status: criteria provided, single submitter. Criteria: Invitae Variant Classification Sherloc (09022015). Collection method: clinical testing. Allele origin: germline.

All of Us Research Program, National Institutes of Health
Classification: Likely benign for Breast-ovarian cancer, familial, susceptibility to, 1. Last evaluated: 2023-06-26. Review status: criteria provided, single submitter. Criteria: ACMG Guidelines, 2015. Collection method: clinical testing. Allele origin: germline. Inheritance: Autosomal dominant inheritance. Observed: 1 variant allele, 1 heterozygote.
Comment: This study involves interpretation of variants in research participants for the purpose of population health screening. Participant phenotype was not available at the time of variant classification. Additional details can be found in publication PMID: 35346344, PMCID: PMC8962531

Blueprint Genetics
Classification: Likely benign. Last evaluated: 2023-04-03. Review status: criteria provided, single submitter. Criteria: ACMG Guidelines, 2015. Collection method: clinical testing. Allele origin: germline.

Women's Health and Genetics/Laboratory Corporation of America, LabCorp
Classification: Likely benign. Last evaluated: 2019-08-21. Review status: criteria provided, single submitter. Criteria: LabCorp Variant Classification Summary - May 2015. Collection method: clinical testing. Allele origin: germline.

Color Diagnostics, LLC DBA Color Health
Classification: Likely benign for Hereditary cancer-predisposing syndrome. Last evaluated: 2017-12-24. Review status: criteria provided, single submitter. Criteria: ACMG Guidelines, 2015. Collection method: clinical testing. Allele origin: germline.

Ambry Genetics
Classification: Likely benign for Hereditary cancer-predisposing syndrome. Last evaluated: 2017-02-22. Review status: criteria provided, single submitter. Criteria: Ambry Variant Classification Scheme 2023. Collection method: clinical testing. Allele origin: germline.

Brotman Baty Institute, University of Washington
No classification provided (evidence only). Condition: Breast-ovarian cancer, familial 1. Review status: no classification provided. Collection method: in vitro. Allele origin: not applicable. Functional consequence: functionally_normal. Not counted in ClinVar's aggregate classification.
ClinVar note: "not provided" was previously submitted as the classification for the variant. However, the classification appeared to be based only on an observation of functional data so it was converted to no classification on 2025-07-30.

NM_007294.4(BRCA1):c.60A>G (p.Lys20=)

Gene: BRCA1 (BRCA1 DNA repair associated; minus strand). Cytogenetic location: 17q21.31.
Variant type: single nucleotide variant.
Coding change: c.60A>G on transcript NM_007294.4 (MANE Select); coding-DNA position 60, A replaced by G.
Protein change: p.Lys20=; no amino-acid change (lysine 20 retained).
Molecular consequence: synonymous variant. On other transcripts: 5 prime UTR variant (136), intron variant (36).
Genome position (GRCh38, 1-based): chr17:43,124,037, T>C on the plus strand (A>G on the coding strand, the complement: BRCA1 is on the minus strand). VCF-style: chr17-43124037-T-C. GRCh37 (hg19) VCF-style: chr17-41276054-T-C.
Other names: c.-129A>G (NM_001408479.1, NM_001408480.1, NM_001408481.1 and 46 more transcripts); c.-274A>G (NM_001408482.1); c.-245A>G (NM_001408492.1, NM_001407889.1); c.60A>G, p.Lys20= (NM_001408494.1, NM_001408495.1, NM_007298.4 and 193 more transcripts); c.-28A>G (NM_001408496.1, NM_001408498.1, NM_007297.4 and 23 more transcripts); c.-205A>G (NM_001408497.1, NM_001407741.1, NM_001407934.1); c.-201A>G (NM_001408499.1, NM_001408500.1, NM_001408503.1 and 22 more transcripts); c.-198A>G (NM_001408501.1, NM_001407694.1, NM_001407724.1 and 11 more transcripts); and 23 more.
Identifiers: ClinVar variation 479236 (VCV000479236.23), dbSNP rs202168814, ClinGen allele CA290827726.